The following is an entry in ClinVar:

NM_015450.3(POT1):c.1505+3_1505+7del

Gene: POT1 (protection of telomeres 1; minus strand). Cytogenetic location: 7q31.33.
Variant type: Deletion.
Coding change: c.1505+3_1505+7del on transcript NM_015450.3 (MANE Select); bases 3 to 7 of the intron after coding-DNA position 1505, 5 bases deleted (ATTTT; older notation c.1505+3_1505+7delATTTT).
Molecular consequence: splice donor variant.
Genome position (GRCh38, 1-based): chr7:124,835,272-124,835,276, AAAAT deleted on the plus strand (ATTTT on the coding strand, the reverse complement: POT1 is on the minus strand); deleting any 5 consecutive bases within chr7:124,835,272-124,835,277 gives the same sequence; the c. name uses the placement nearest the transcript's 3' end. VCF-style (leftmost placement, unchanged base first): chr7-124835271-CAAAAT-C. GRCh37 (hg19) VCF-style: chr7-124475325-CAAAAT-C.
Other names: c.1112+3_1112+7del (NM_001042594.2).
Identifiers: ClinVar variation 4862373 (VCV004862373.1).

ClinVar aggregate classification (germline): Uncertain significance (1 of 4 stars; one submission).

Conditions:
Hereditary cancer-predisposing syndrome. Also called: Neoplastic Syndromes, Hereditary; Tumor predisposition; Hereditary Cancer Syndrome; Hereditary neoplastic syndrome. Identifiers: Orphanet 140162, MedGen C0027672, MeSH D009386, MONDO:0015356.

Submission:

Ambry Genetics
Classification: Uncertain significance for Hereditary cancer-predisposing syndrome. Last evaluated: 2026-04-03. Review status: criteria provided, single submitter. Criteria: Ambry Variant Classification Scheme 2023. Collection method: clinical testing. Allele origin: germline.
Comment: The c.1505+3_1505+7delATTTT intronic variant, located in intron 11 of the POT1 gene, results from a deletion of 5 nucleotides within intron 11 of the POT1 gene. In silico splice site analysis predicts that this alteration will weaken the native splice donor site; however, direct evidence is insufficient at this time (Ambry internal data). Based on the available evidence, the clinical significance of this variant remains unclear.